The following is an entry in ClinVar:

ClinVar aggregate classification (germline): Pathogenic (1 of 4 stars; one submission).

Conditions:
Inborn genetic diseases. Identifiers: MedGen C0950123, MeSH D030342.

Submission:

Ambry Genetics
Classification: Pathogenic for Inborn genetic diseases. Last evaluated: 2025-10-09. Review status: criteria provided, single submitter. Criteria: Ambry Variant Classification Scheme 2023. Collection method: clinical testing. Allele origin: germline.
Comment: The c.2839dupC p.H947Pfs*9alteration, located in exon 19 (coding exon 17) of the SETD5 gene, consists of a duplication of C at position 2839, causing a translational frameshift with a predicted alternate stop codon after 9 amino acids. This alteration is expected to result in loss of function by premature protein truncation or nonsense-mediated mRNA decay. This variant was not reported in population-based cohorts in the Genome Aggregation Database (gnomAD). Based on the available evidence, this alteration is classified as pathogenic.

NM_001080517.3(SETD5):c.2839dup (p.His947fs)

Gene: SETD5 (SET domain containing 5; plus strand). Cytogenetic location: 3p25.3.
Variant type: Duplication.
Coding change: c.2839dup on transcript NM_001080517.3 (MANE Select); coding-DNA position 2839, one base duplicated (C; older notation c.2839dupC).
Protein change: p.His947fs; shifts the reading frame from histidine 947.
Molecular consequence: frameshift variant.
Genome position (GRCh38, 1-based): chr3:9,470,573, C duplicated. VCF-style (leftmost placement, unchanged base first): chr3-9470572-T-TC. GRCh37 (hg19) VCF-style: chr3-9512256-T-TC.
Other names: c.2545dup, p.His849fs (NM_001292043.2, NM_001349451.2); c.2935dup, p.His979fs (NM_001437633.1); c.2953dup, p.His985fs (NM_001437635.1); c.2896dup, p.His966fs (NM_001437643.1); c.2878dup, p.His960fs (NM_001437701.1); short protein forms H849fs, H960fs, H966fs, H979fs, H985fs, H947fs.
Identifiers: ClinVar variation 4630619 (VCV004630619.1).